The following is an entry in ClinVar:

NM_002474.3(MYH11):c.3858+874G>A

Genes: NDE1 (nudE neurodevelopment protein 1; plus strand), MYH11 (myosin heavy chain 11; minus strand). Cytogenetic location: 16p13.11.
Variant type: single nucleotide variant.
Coding change: c.3858+874G>A on transcript NM_002474.3 (MANE Select); 874 bases into the intron after coding-DNA position 3858, G replaced by A.
Molecular consequence: intron variant. On other transcripts: 3 prime UTR variant (2).
Genome position (GRCh38, 1-based): chr16:15,725,974, C>T on the plus strand (G>A on the coding strand, the complement: MYH11 is on the minus strand). VCF-style: chr16-15725974-C-T. GRCh37 (hg19) VCF-style: chr16-15819831-C-T.
Other names: c.*1723C>T (NM_001143979.2, NM_017668.3); c.3858+874G>A (NM_022844.3); c.3879+874G>A (NM_001040114.2, NM_001040113.2).
Identifiers: ClinVar variation 318148 (VCV000318148.6), dbSNP rs73519694, ClinGen allele CA10647087.
Genomic context (GRCh38, chr16:15,725,974, plus strand): 5'-CATCTGGGTACAAGCTCCCCCTCCAACCCCACTCTGTACTATCTCCCCCTACCCCCAACC[C>T]CAGCTGGGCACTCCAGCTCTACTGGCTGTATGTCTCTCTCCTAATTTTTCTACTTACCAC-3'

ClinVar aggregate classification (germline): Benign. Review status: criteria provided, single submitter (1 of 4 stars). 2 submissions from 1 submitter: Benign (2). Last evaluated 2018-01-13.

Conditions:
Aortic aneurysm, familial thoracic 4 (AAT4). Also called: AORTIC ANEURYSM/AORTIC DISSECTION AND PATENT DUCTUS ARTERIOSUS. Identifiers: MedGen C1851504, MONDO:0007568, OMIM 132900.
Lissencephaly 4 (LIS4). Also called: Lissencephaly 4 (with microcephaly). Identifiers: Orphanet 1083, MedGen C3151461, MONDO:0013527, OMIM 614019.

Allele frequency attached by ClinVar (database versions not stated): gnomAD exomes 0.00818; gnomAD 0.06261 and 0.06691; TOPMed 0.07056; 1000 Genomes Project 0.07328; 1000 Genomes Project 30x 0.08042.
gnomAD v4.1: 11,077 of 335,108 alleles (3.3%); highest among the groups gnomAD compares: African/African-American, 21%; 1,140 homozygotes.

Submissions (2):

Illumina Laboratory Services, Illumina
Classification: Benign for Lissencephaly 4. Last evaluated: 2018-01-13. Review status: criteria provided, single submitter. Criteria: ICSL Variant Classification Criteria 13 December 2019. Collection method: clinical testing. Allele origin: germline.
Comment: This variant was observed in the ICSL laboratory as part of a predisposition screen in an ostensibly healthy population. It had not been previously curated by ICSL or reported in the Human Gene Mutation Database (HGMD: prior to June 1st, 2018), and was therefore a candidate for classification through an automated scoring system. Utilizing variant allele frequency, disease prevalence and penetrance estimates, and inheritance mode, an automated score was calculated to assess if this variant is too frequent to cause the disease. Based on the score and internal cut-off values, a variant classified as benign is not then subjected to further curation. The score for this variant resulted in a classification of benign for this disease.

Illumina Laboratory Services, Illumina
Classification: Benign for Aortic aneurysm, familial thoracic 4. Last evaluated: 2018-01-12. Review status: criteria provided, single submitter. Criteria: ICSL Variant Classification Criteria 13 December 2019. Collection method: clinical testing. Allele origin: germline.
Comment: the same text as in the submission from Illumina Laboratory Services, Illumina above.